The following is an entry in ClinVar:

NM_001163809.2(WDR81):c.2836_2839del (p.Phe946fs)

Gene: WDR81 (WD repeat domain 81; plus strand). Cytogenetic location: 17p13.3.
Variant type: Deletion.
Coding change: c.2836_2839del on transcript NM_001163809.2 (MANE Select); coding-DNA positions 2836 to 2839, 4 bases deleted (TTTG; older notation c.2836_2839delTTTG).
Protein change: p.Phe946fs; shifts the reading frame from phenylalanine 946.
Molecular consequence: frameshift variant. On other transcripts: intron variant (3).
Genome position (GRCh38, 1-based): chr17:1,727,795-1,727,798, TTTG deleted; deleting any 4 consecutive bases within chr17:1,727,793-1,727,798 gives the same sequence; the c. name uses the placement nearest the transcript's 3' end. VCF-style (leftmost placement, unchanged base first): chr17-1727792-CTGTT-C. GRCh37 (hg19) VCF-style: chr17-1631086-CTGTT-C.
Other names: c.-123-195_-123-192del (NM_152348.4); c.59-2585_59-2582del (NM_001163673.2); c.-14-2585_-14-2582del (NM_001163811.2); c.2836_2839delTTTG (NM_001163809.1); short protein forms F946fs.
Identifiers: ClinVar variation 1700900 (VCV001700900.3), dbSNP rs1470681435, ClinGen allele CA497394586.

ClinVar aggregate classification (germline): Pathogenic. Review status: criteria provided, multiple submitters, no conflicts (2 of 4 stars). 2 submissions from 2 submitters: Pathogenic (2). Last evaluated 2026-09-14.

Conditions:
WDR81-related disorder. Also called: WDR81-related condition.

Submissions (2):

PreventionGenetics, part of Exact Sciences
Classification: Pathogenic for WDR81-related condition. Last evaluated: 2026-09-14. Review status: criteria provided, single submitter. Criteria: ACMG Guidelines, 2015. Collection method: clinical testing. Allele origin: germline.
Comment: The WDR81 c.2836_2839delTTTG variant is predicted to result in a frameshift and premature protein termination (p.Phe946Serfs*17). This variant has been reported in the compound heterozygous state in two prenatal cases with autosomal recessive WDR81-related disorders (described as c.2834_2837delTGTT, Cavallin et al. 2017. PubMed ID: 28969387; Vora et al. 2020. PubMed ID: 31974414). This variant has not been reported in a large population database (gnomAD), indicating this variant is rare. Frameshift variants in WDR81 are expected to be pathogenic. This variant is interpreted as pathogenic.

GeneDx
Classification: Pathogenic. Last evaluated: 2022-04-27. Review status: criteria provided, single submitter. Criteria: GeneDx Variant Classification Process June 2021. Collection method: clinical testing. Allele origin: germline. Affected: yes.
Comment: Also observed in the published literature in a fetus with features consistent with a WDR81-related disorder who also harbored a nonsense variant (Cavallin et al., 2017); Frameshift variant predicted to result in protein truncation or nonsense mediated decay in a gene for which loss-of-function is a known mechanism of disease; Not observed at significant frequency in large population cohorts (gnomAD); This variant is associated with the following publications: (PMID: 34426522, 31974414, 28969387)